The following is an entry in ClinVar:

ClinVar aggregate classification (germline): Uncertain significance (1 of 4 stars; one submission).

Conditions:
Nephrolithiasis/nephrocalcinosis. Identifiers: MedGen CN580796.

Submission:

Ambry Genetics
Classification: Uncertain significance for Nephrolithiasis/nephrocalcinosis. Last evaluated: 2021-08-08. Review status: criteria provided, single submitter. Criteria: Ambry Variant Classification Scheme 2023. Collection method: clinical testing. Allele origin: germline.
Comment: The p.L902F variant (also known as c.2704C>T), located in coding exon 6 of the CASR gene, results from a C to T substitution at nucleotide position 2704. The leucine at codon 902 is replaced by phenylalanine, an amino acid with highly similar properties. This amino acid position is conserved. In addition, the in silico prediction for this alteration is inconclusive. Since supporting evidence is limited at this time, the clinical significance of this alteration remains unclear.

NM_000388.4(CASR):c.2704C>T (p.Leu902Phe)

Gene: CASR (calcium sensing receptor; plus strand). Cytogenetic location: 3q21.1.
Variant type: single nucleotide variant.
Coding change: c.2704C>T on transcript NM_000388.4 (MANE Select); coding-DNA position 2704, C replaced by T.
Protein change: p.Leu902Phe; replaces leucine 902 with phenylalanine.
Molecular consequence: missense variant.
Genome position (GRCh38, 1-based): chr3:122,284,658, C>T. VCF-style: chr3-122284658-C-T. GRCh37 (hg19) VCF-style: chr3-122003505-C-T.
Other names: c.2734C>T, p.Leu912Phe (NM_001178065.2); short protein forms L902F, L912F.
Identifiers: ClinVar variation 1794963 (VCV001794963.2), dbSNP rs2473281498, ClinGen allele CA354160593.